The following is an entry in ClinVar:

ClinVar aggregate classification (germline): Uncertain significance (1 of 4 stars; one submission).

Conditions:
Arrhythmogenic cardiomyopathy with wooly hair and keratoderma. Also called: Arrhythmogenic cardiomyopathy with woolly hair and keratoderma; Carvajal syndrome; PALMOPLANTAR KERATODERMA WITH LEFT VENTRICULAR CARDIOMYOPATHY AND WOOLLY HAIR; Dilated cardiomyopathy with woolly hair and keratoderma. Identifiers: Orphanet 65282, MedGen C1854063, MONDO:0011581, OMIM 605676.
Arrhythmogenic right ventricular dysplasia 8 (ARVD8). Also called: Arrhythmogenic Right Ventricular Dysplasia/Cardiomyopathy 8; ARRHYTHMOGENIC RIGHT VENTRICULAR DYSPLASIA, FAMILIAL, 8; ARRHYTHMOGENIC RIGHT VENTRICULAR CARDIOMYOPATHY 8. Identifiers: MedGen C1843896, MONDO:0011831, OMIM 607450.

Submission:

Labcorp Genetics (formerly Invitae), Labcorp
Classification: Uncertain significance for Dilated cardiomyopathy with woolly hair and keratoderma; Arrhythmogenic right ventricular cardiomyopathy, type 8. Last evaluated: 2018-08-08. Review status: criteria provided, single submitter. Criteria: Invitae Variant Classification Sherloc (09022015). Collection method: clinical testing. Allele origin: germline.
Comment: This sequence change replaces valine with leucine at codon 520 of the DSP protein (p.Val520Leu). The valine residue is highly conserved and there is a small physicochemical difference between valine and leucine. This variant is not present in population databases (ExAC no frequency). This variant has not been reported in the literature in individuals with DSP-related disease. Algorithms developed to predict the effect of missense changes on protein structure and function are either unavailable or do not agree on the potential impact of this missense change (SIFT: "Deleterious"; PolyPhen-2: "Benign"; Align-GVGD: "Class C0"). In summary, the available evidence is currently insufficient to determine the role of this variant in disease. Therefore, it has been classified as a Variant of Uncertain Significance.

NM_004415.4(DSP):c.1558G>T (p.Val520Leu)

Gene: DSP (desmoplakin; plus strand). Cytogenetic location: 6p24.3.
Variant type: single nucleotide variant.
Coding change: c.1558G>T on transcript NM_004415.4 (MANE Select); coding-DNA position 1558, G replaced by T.
Protein change: p.Val520Leu; replaces valine 520 with leucine.
Molecular consequence: missense variant.
Genome position (GRCh38, 1-based): chr6:7,569,324, G>T. VCF-style: chr6-7569324-G-T. GRCh37 (hg19) VCF-style: chr6-7569557-G-T.
Other names: c.1558G>T, p.Val520Leu (NM_001008844.3, NM_001319034.2); c.1558G>T (LRG_423t1); short protein forms V520L.
Identifiers: ClinVar variation 650954 (VCV000650954.1), dbSNP rs777545428, ClinGen allele CA362677833.